The following is an entry in ClinVar:

NM_015192.4(PLCB1):c.3128C>T (p.Thr1043Met)

Gene: PLCB1 (phospholipase C beta 1; plus strand). Cytogenetic location: 20p12.3.
Variant type: single nucleotide variant.
Coding change: c.3128C>T on transcript NM_015192.4 (MANE Select); coding-DNA position 3128, C replaced by T.
Protein change: p.Thr1043Met; replaces threonine 1043 with methionine.
Molecular consequence: missense variant.
Genome position (GRCh38, 1-based): chr20:8,788,465, C>T. VCF-style: chr20-8788465-C-T. GRCh37 (hg19) VCF-style: chr20-8769112-C-T.
Other names: c.3128C>T (NM_015192.2); c.3128C>T, p.Thr1043Met (NM_182734.3); short protein forms T1043M.
Identifiers: ClinVar variation 861649 (VCV000861649.8), dbSNP rs754052641, ClinGen allele CA9760468.

ClinVar aggregate classification (germline): Uncertain significance. Review status: criteria provided, multiple submitters, no conflicts (2 of 4 stars). 3 submissions from 3 submitters: Uncertain significance (3). Last evaluated 2025-05-14.

Conditions:
Developmental and epileptic encephalopathy, 12 (DEE12). Identifiers: MedGen C3150988, MONDO:0013389, OMIM 613722.
Inborn genetic diseases. Identifiers: MedGen C0950123, MeSH D030342.

Allele frequency attached by ClinVar (database versions not stated): gnomAD 0.00001; TOPMed 0.00002; ExAC 0.00003; gnomAD exomes 0.00003.
gnomAD v4.1: 22 of 1,613,070 alleles (0.0014%); highest among the groups gnomAD compares: Middle Eastern, 0.049%; no homozygotes.

Submissions (3):

GeneDx
Classification: Uncertain significance. Last evaluated: 2025-05-14. Review status: criteria provided, single submitter. Criteria: GeneDx Variant Classification Process June 2021. Collection method: clinical testing. Allele origin: germline. Affected: yes.
Comment: In silico analysis suggests that this missense variant does not alter protein structure/function; Has not been previously published as pathogenic or benign to our knowledge

Ambry Genetics
Classification: Uncertain significance for Inborn genetic diseases. Last evaluated: 2022-12-21. Review status: criteria provided, single submitter. Criteria: Ambry Variant Classification Scheme 2023. Collection method: clinical testing. Allele origin: germline.

Labcorp Genetics (formerly Invitae), Labcorp
Classification: Uncertain significance for Developmental and epileptic encephalopathy, 12. Last evaluated: 2022-11-01. Review status: criteria provided, single submitter. Criteria: Invitae Variant Classification Sherloc (09022015). Collection method: clinical testing. Allele origin: germline.
Comment: In summary, the available evidence is currently insufficient to determine the role of this variant in disease. Therefore, it has been classified as a Variant of Uncertain Significance. Advanced modeling of protein sequence and biophysical properties (such as structural, functional, and spatial information, amino acid conservation, physicochemical variation, residue mobility, and thermodynamic stability) performed at Invitae indicates that this missense variant is not expected to disrupt PLCB1 protein function. ClinVar contains an entry for this variant (Variation ID: 861649). This variant has not been reported in the literature in individuals affected with PLCB1-related conditions. This variant is present in population databases (rs754052641, gnomAD 0.02%). This sequence change replaces threonine, which is neutral and polar, with methionine, which is neutral and non-polar, at codon 1043 of the PLCB1 protein (p.Thr1043Met).